The following is an entry in ClinVar:

NM_001370259.2(MEN1):c.1195A>G (p.Ser399Gly)

Gene: MEN1 (menin 1; minus strand). Cytogenetic location: 11q13.1.
Variant type: single nucleotide variant.
Coding change: c.1195A>G on transcript NM_001370259.2 (MANE Select); coding-DNA position 1195, A replaced by G.
Protein change: p.Ser399Gly; replaces serine 399 with glycine.
Molecular consequence: missense variant.
Genome position (GRCh38, 1-based): chr11:64,805,189, T>C on the plus strand (A>G on the coding strand, the complement: MEN1 is on the minus strand). VCF-style: chr11-64805189-T-C. GRCh37 (hg19) VCF-style: chr11-64572661-T-C.
Other names: c.1210A>G, p.Ser404Gly (NM_000244.4, NM_130800.3, NM_130801.3 and 3 more transcripts); c.1321A>G, p.Ser441Gly (NM_001370251.2); c.1195A>G, p.Ser399Gly (NM_001370260.2, NM_001370261.2, NM_130799.3); c.1090A>G, p.Ser364Gly (NM_001370262.2, NM_001370263.2); short protein forms S364G, S399G, S404G, S441G.
Identifiers: ClinVar variation 1010642 (VCV001010642.12), dbSNP rs1941626700, ClinGen allele CA381180791.

ClinVar aggregate classification (germline): Uncertain significance. Review status: criteria provided, multiple submitters, no conflicts (2 of 4 stars). 2 submissions from 2 submitters: Uncertain significance (2). Last evaluated 2025-09-29.

Conditions:
Hereditary cancer-predisposing syndrome. Also called: Tumor predisposition; Hereditary Cancer Syndrome; Neoplastic Syndromes, Hereditary; Hereditary neoplastic syndrome. Identifiers: Orphanet 140162, MedGen C0027672, MeSH D009386, MONDO:0015356.
Multiple endocrine neoplasia, type 1 (MEN1). Also called: MEN I; WERMER SYNDROME; Endocrine adenomatosis multiple; MEN 1; MEA I. Identifiers: Orphanet 652, MedGen C0025267, MeSH D018761, MONDO:0007540, OMIM 131100.

Submissions (2):

Ambry Genetics
Classification: Uncertain significance for Hereditary cancer-predisposing syndrome. Last evaluated: 2025-09-29. Review status: criteria provided, single submitter. Criteria: Ambry Variant Classification Scheme 2023. Collection method: clinical testing. Allele origin: germline.
Comment: The p.S399G variant (also known as c.1195A>G), located in coding exon 8 of the MEN1 gene, results from an A to G substitution at nucleotide position 1195. The serine at codon 399 is replaced by glycine, an amino acid with similar properties. This amino acid position is well conserved in available vertebrate species. In addition, this alteration is predicted to be tolerated by in silico analysis. Based on the available evidence, the clinical significance of this variant remains unclear.

Labcorp Genetics (formerly Invitae), Labcorp
Classification: Uncertain significance for Multiple endocrine neoplasia, type 1. Last evaluated: 2022-04-09. Review status: criteria provided, single submitter. Criteria: Invitae Variant Classification Sherloc (09022015). Collection method: clinical testing. Allele origin: germline.
Comment: In summary, the available evidence is currently insufficient to determine the role of this variant in disease. Therefore, it has been classified as a Variant of Uncertain Significance. This sequence change replaces serine, which is neutral and polar, with glycine, which is neutral and non-polar, at codon 399 of the MEN1 protein (p.Ser399Gly). This variant is not present in population databases (gnomAD no frequency). This variant has not been reported in the literature in individuals affected with MEN1-related conditions. ClinVar contains an entry for this variant (Variation ID: 1010642). Advanced modeling of protein sequence and biophysical properties (such as structural, functional, and spatial information, amino acid conservation, physicochemical variation, residue mobility, and thermodynamic stability) performed at Invitae indicates that this missense variant is not expected to disrupt MEN1 protein function.